The following is an entry in ClinVar:

NM_000276.4(OCRL):c.1124A>G (p.His375Arg)

Gene: OCRL (OCRL inositol polyphosphate-5-phosphatase; plus strand). Cytogenetic location: Xq26.1.
Variant type: single nucleotide variant.
Coding change: c.1124A>G on transcript NM_000276.4 (MANE Select); coding-DNA position 1124, A replaced by G.
Protein change: p.His375Arg; replaces histidine 375 with arginine.
Molecular consequence: missense variant.
Genome position (GRCh38, 1-based): chrX:129,562,666, A>G. VCF-style: chrX-129562666-A-G. GRCh37 (hg19) VCF-style: chrX-128696643-A-G.
Other names: c.1127A>G, p.His376Arg (NM_001318784.2); c.1124A>G, p.His375Arg (NM_001587.4); short protein forms H375R, H376R.
Identifiers: ClinVar variation 373191 (VCV000373191.2), dbSNP rs1057518276, ClinGen allele CA16043211.
Genomic context (GRCh38, chrX:129,562,666, plus strand): 5'-AAGGTGGGGTAGCTGTGAGATTTGTATTTCACAACACCACCTTTTGCATTGTCAATTCCC[A>G]TCTGGCTGCACACGTGGAGGACTTTGAGAGAAGGAATCAAGATTATAAGGACATTTGTGC-3'
Protein context (NP_000267.2, residues 365-385): HNTTFCIVNS[His375Arg]LAAHVEDFER

ClinVar aggregate classification (germline): Likely pathogenic (1 of 4 stars; one submission).

Submission:

GeneDx
Classification: Likely pathogenic. Last evaluated: 2018-07-19. Review status: criteria provided, single submitter. Criteria: GeneDx Variant Classification (06012015). Collection method: clinical testing. Allele origin: germline. Affected: yes.
Comment: A novel H375R variant that is likely pathogenic was identified in the OCRL gene. It has not been published as a pathogenic variant, nor has it been reported as a benign variant to our knowledge. The H375R variant was not observed in approximately 6,500 individuals of European and African American ancestry in the NHLBI Exome Sequencing Project, indicating it is not a common benign variant in these populations. The H375R variant is a conservative amino acid substitution, which is not likely to impact secondary protein structure as these residues share similar properties. This substitution occurs at a position within the phophatidylinositol phosphate 5-phosphatase domain that is conserved across species. In silico analysis predicts this variant is probably damaging to the protein structure/function. Additionally, missense variants at the same (H375Y) and in nearby residues (V372G, N373Y, S374P/F) have been reported in the Human Gene Mutation Database in association with Lowe oculocerebrorenal syndrome (Stenson et al., 2014), supporting the functional importance of this region of the protein. Therefore, this variant is likely pathogenic; however, the possibility that it is benign cannot be excluded.